The following is an entry in ClinVar:

NM_001365276.2(TNXB):c.503C>T (p.Ser168Leu)

Gene: TNXB (tenascin XB; minus strand). Cytogenetic location: 6p21.33.
Variant type: single nucleotide variant.
Coding change: c.503C>T on transcript NM_001365276.2 (MANE Select); coding-DNA position 503, C replaced by T.
Protein change: p.Ser168Leu; replaces serine 168 with leucine.
Molecular consequence: missense variant.
Genome position (GRCh38, 1-based): chr6:32,097,350, G>A on the plus strand (C>T on the coding strand, the complement: TNXB is on the minus strand). VCF-style: chr6-32097350-G-A. GRCh37 (hg19) VCF-style: chr6-32065127-G-A.
Other names: c.503C>T, p.Ser168Leu (NM_001428335.1, NM_019105.8); short protein forms S168L.
Identifiers: ClinVar variation 3971943 (VCV003971943.3).

ClinVar aggregate classification (germline): Uncertain significance. Review status: criteria provided, multiple submitters, no conflicts (2 of 4 stars). 2 submissions from 2 submitters: Uncertain significance (2). Last evaluated 2026-06-15.

Conditions:
Cardiovascular phenotype. Identifiers: MedGen CN230736.

Submissions (2):

Women's Health and Genetics/Laboratory Corporation of America, LabCorp
Classification: Uncertain significance. Last evaluated: 2026-06-15. Review status: criteria provided, single submitter. Criteria: LabCorp Variant Classification Summary - May 2015. Collection method: clinical testing. Allele origin: germline.
Comment: Variant summary: TNXB c.503C>T (p.Ser168Leu) results in a non-conservative amino acid change in the encoded protein sequence. Algorithms developed to predict the effect of missense changes on protein structure and function are either unavailable or do not agree on the potential impact of this missense change. The variant allele was found at a frequency of 4.8e-05 in 247430 control chromosomes. This frequency is not significantly higher than estimated for disease-causing variants in TNXB, allowing no conclusion about variant significance. To our knowledge, no occurrence of c.503C>T in individuals affected with TNXB-related conditions and no experimental evidence demonstrating its impact on protein function have been reported. No submitters have cited clinical-significance assessments for this variant to ClinVar. Based on the evidence outlined above, the variant was classified as uncertain significance.

Ambry Genetics
Classification: Uncertain significance for Cardiovascular phenotype. Last evaluated: 2025-04-23. Review status: criteria provided, single submitter. Criteria: Ambry Variant Classification Scheme 2023. Collection method: clinical testing. Allele origin: germline.
Comment: The p.S168L variant (also known as c.503C>T), located in coding exon 2 of the TNXB gene, results from a C to T substitution at nucleotide position 503. The serine at codon 168 is replaced by leucine, an amino acid with dissimilar properties. This amino acid position is conserved. In addition, this alteration is predicted to be tolerated by in silico analysis. Based on the available evidence, the clinical significance of this variant remains unclear.